The following is an entry in ClinVar:

NM_001276270.2(MBD4):c.1145T>A (p.Met382Lys)

Gene: MBD4 (methyl-CpG binding domain 4, DNA glycosylase; minus strand). Cytogenetic location: 3q21.3.
Variant type: single nucleotide variant.
Coding change: c.1145T>A on transcript NM_001276270.2 (MANE Select); coding-DNA position 1145, T replaced by A.
Protein change: p.Met382Lys; replaces methionine 382 with lysine.
Molecular consequence: missense variant. On other transcripts: intron variant (1).
Genome position (GRCh38, 1-based): chr3:129,436,499, A>T on the plus strand (T>A on the coding strand, the complement: MBD4 is on the minus strand). VCF-style: chr3-129436499-A-T. GRCh37 (hg19) VCF-style: chr3-129155342-A-T.
Other names: c.1145T>A, p.Met382Lys (NM_001276271.2, NM_001276272.2, NM_003925.3); c.247+1309T>A (NM_001276273.2); short protein forms M382K.
Identifiers: ClinVar variation 2702712 (VCV002702712.4), dbSNP rs2530717489, ClinGen allele CA354466450.
Genomic context (GRCh38, chr3:129,436,499, plus strand): 5'-ATACCTTGAAATATTTTCTCACCAGTGAAGTCTTTCCTGGTTGGTGAGCAGTTGTTGTCC[A>T]TTTCAGAGCCACGTTTTAAAATGTCAGTATGCAAATGTTCTTTCCTTTCCACAACTTCTA-3'
Protein context (NP_001263199.1, residues 372-392): HTDILKRGSE[Met382Lys]DNNCSPTRKD

ClinVar aggregate classification (germline): Uncertain significance. Review status: criteria provided, multiple submitters, no conflicts (2 of 4 stars). 2 submissions from 2 submitters: Uncertain significance (2). Last evaluated 2026-05-27.

Conditions:
Inborn genetic diseases. Identifiers: MedGen C0950123, MeSH D030342.

Allele frequency attached by ClinVar (database versions not stated): gnomAD exomes below 0.00001.
gnomAD v4.1: 2 of 1,614,104 alleles (0.00012%); highest among the groups gnomAD compares: Non-Finnish European, 0.00017%; no homozygotes.

Submissions (2):

Ambry Genetics
Classification: Uncertain significance for Inborn genetic diseases. Last evaluated: 2026-05-27. Review status: criteria provided, single submitter. Criteria: Ambry Variant Classification Scheme 2023. Collection method: clinical testing. Allele origin: germline.
Comment: The p.M382K variant (also known as c.1145T>A), located in coding exon 3 of the MBD4 gene, results from a T to A substitution at nucleotide position 1145. The methionine at codon 382 is replaced by lysine, an amino acid with similar properties. This amino acid position is conserved. In addition, the in silico prediction for this alteration is inconclusive. Based on the available evidence, the clinical significance of this variant remains unclear.

Labcorp Genetics (formerly Invitae), Labcorp
Classification: Uncertain significance. Last evaluated: 2023-12-13. Review status: criteria provided, single submitter. Criteria: Invitae Variant Classification Sherloc (09022015). Collection method: clinical testing. Allele origin: germline.
Comment: This sequence change replaces methionine, which is neutral and non-polar, with lysine, which is basic and polar, at codon 382 of the MBD4 protein (p.Met382Lys). This variant is not present in population databases (gnomAD no frequency). This variant has not been reported in the literature in individuals affected with MBD4-related conditions. An algorithm developed to predict the effect of missense changes on protein structure and function (PolyPhen-2) suggests that this variant is likely to be tolerated. In summary, the available evidence is currently insufficient to determine the role of this variant in disease. Therefore, it has been classified as a Variant of Uncertain Significance.